The following is an entry in ClinVar:

NM_000219.6(KCNE1):c.124C>A (p.Leu42Met)

Gene: KCNE1 (potassium voltage-gated channel subfamily E regulatory subunit 1; minus strand). Cytogenetic location: 21q22.12.
Variant type: single nucleotide variant.
Coding change: c.124C>A on transcript NM_000219.6 (MANE Select); coding-DNA position 124, C replaced by A.
Protein change: p.Leu42Met; replaces leucine 42 with methionine.
Molecular consequence: missense variant.
Genome position (GRCh38, 1-based): chr21:34,449,511, G>T on the plus strand (C>A on the coding strand, the complement: KCNE1 is on the minus strand). VCF-style: chr21-34449511-G-T. GRCh37 (hg19) VCF-style: chr21-35821809-G-T.
Other names: c.124C>A, p.Leu42Met (NM_001127668.4, NM_001127669.4, NM_001127670.4 and 4 more transcripts); short protein forms L42M.
Identifiers: ClinVar variation 3374106 (VCV003374106.2).

Conditions:
Long QT syndrome 5 (LQT5). Identifiers: Orphanet 101016, Orphanet 768, MedGen C1867904, MONDO:0013372, OMIM 613695.

Submission:

Roden Lab, Vanderbilt University Medical Center
No classification provided (evidence only). Condition: Long QT syndrome 5. Review status: no classification provided. Collection method: in vitro. Allele origin: not applicable. Functional consequence: Effect on ion channel function.
ClinVar note: "not provided" was previously submitted as the classification for the variant. However, the classification appeared to be based only on an observation of functional data so it was converted to no classification on 2025-07-30.